The following is an entry in ClinVar:

ClinVar aggregate classification (germline): Uncertain significance (1 of 4 stars; one submission).

Conditions:
Cutis laxa, X-linked (OHS). Also called: EDS IX; Occipital horn syndrome. Identifiers: Orphanet 198, MedGen C0268353, MONDO:0010572, OMIM 304150.
X-linked distal spinal muscular atrophy type 3. Also called: ATP7A-Related Distal Motor Neuropathy; NEURONOPATHY, DISTAL HEREDITARY MOTOR, X-LINKED; NEUROPATHY, DISTAL HEREDITARY MOTOR, X-LINKED; SPINAL MUSCULAR ATROPHY, DISTAL, X-LINKED RECESSIVE. Identifiers: Orphanet 139557, MedGen C1845359, MONDO:0010338, OMIM 300489.
Menkes kinky-hair syndrome (MNK). Also called: Classic Menkes Disease; Menkes Disease; Copper transport disease. Identifiers: Orphanet 565, MedGen C0022716, MONDO:0010651, OMIM 309400.

Submission:

Labcorp Genetics (formerly Invitae), Labcorp
Classification: Uncertain significance for X-linked distal spinal muscular atrophy type 3; Cutis laxa, X-linked; Menkes kinky-hair syndrome. Last evaluated: 2018-12-02. Review status: criteria provided, single submitter. Criteria: Invitae Variant Classification Sherloc (09022015). Collection method: clinical testing. Allele origin: germline.
Comment: This sequence change replaces histidine with glutamine at codon 589 of the ATP7A protein (p.His589Gln). The histidine residue is weakly conserved and there is a small physicochemical difference between histidine and glutamine. This variant is not present in population databases (ExAC no frequency). This variant has not been reported in the literature in individuals with ATP7A-related conditions. Algorithms developed to predict the effect of missense changes on protein structure and function (SIFT, PolyPhen-2, Align-GVGD) all suggest that this variant is likely to be tolerated, but these predictions have not been confirmed by published functional studies and their clinical significance is uncertain. In summary, the available evidence is currently insufficient to determine the role of this variant in disease. Therefore, it has been classified as a Variant of Uncertain Significance.

NM_000052.7(ATP7A):c.1767C>G (p.His589Gln)

Gene: ATP7A (ATPase copper transporting alpha; plus strand). Cytogenetic location: Xq21.1.
Variant type: single nucleotide variant.
Coding change: c.1767C>G on transcript NM_000052.7 (MANE Select); coding-DNA position 1767, C replaced by G.
Protein change: p.His589Gln; replaces histidine 589 with glutamine.
Molecular consequence: missense variant.
Genome position (GRCh38, 1-based): chrX:78,009,161, C>G. VCF-style: chrX-78009161-C-G. GRCh37 (hg19) VCF-style: chrX-77264658-C-G.
Other names: c.1767C>G, p.His589Gln (NM_001282224.2); short protein forms H589Q.
Identifiers: ClinVar variation 654204 (VCV000654204.9), dbSNP rs1603384813, ClinGen allele CA413597061.